The following is an entry in ClinVar:

NM_205836.3(FBXO38):c.2947A>G (p.Met983Val)

Gene: FBXO38 (F-box protein 38; plus strand). Cytogenetic location: 5q32.
Variant type: single nucleotide variant.
Coding change: c.2947A>G on transcript NM_205836.3 (MANE Select); coding-DNA position 2947, A replaced by G.
Protein change: p.Met983Val; replaces methionine 983 with valine.
Molecular consequence: missense variant.
Genome position (GRCh38, 1-based): chr5:148,438,421, A>G. VCF-style: chr5-148438421-A-G. GRCh37 (hg19) VCF-style: chr5-147817984-A-G.
Other names: c.2212A>G, p.Met738Val (NM_001271723.2); c.2722A>G, p.Met908Val (NM_030793.5); short protein forms M908V, M738V, M983V.
Identifiers: ClinVar variation 3705416 (VCV003705416.2).

ClinVar aggregate classification (germline): Uncertain significance (1 of 4 stars; one submission).

Conditions:
Distal hereditary motor neuropathy type 2. Identifiers: Orphanet 139525, MedGen C3711384, MeSH C580044, MONDO:0015352.

gnomAD v4.1: 13 of 1,614,116 alleles (0.00081%); highest among the groups gnomAD compares: Non-Finnish European, 0.001%; no homozygotes.

Submission:

Labcorp Genetics (formerly Invitae), Labcorp
Classification: Uncertain significance for Distal hereditary motor neuropathy type 2. Last evaluated: 2024-07-23. Review status: criteria provided, single submitter. Criteria: Invitae Variant Classification Sherloc (09022015). Collection method: clinical testing. Allele origin: germline.
Comment: This sequence change replaces methionine, which is neutral and non-polar, with valine, which is neutral and non-polar, at codon 908 of the FBXO38 protein (p.Met908Val). This variant is present in population databases (rs775929731, gnomAD 0.0009%). This variant has not been reported in the literature in individuals affected with FBXO38-related conditions. An algorithm developed to predict the effect of missense changes on protein structure and function (PolyPhen-2) suggests that this variant is likely to be tolerated. In summary, the available evidence is currently insufficient to determine the role of this variant in disease. Therefore, it has been classified as a Variant of Uncertain Significance.